The following is an entry in ClinVar:

ClinVar aggregate classification (germline): Uncertain significance. Review status: criteria provided, multiple submitters, no conflicts (2 of 4 stars). 2 submissions from 2 submitters: Uncertain significance (2). Last evaluated 2022-04-19.

Conditions:
Autosomal recessive ataxia, Beauce type. Also called: Spinocerebellar ataxia, autosomal recessive 8; ATAXIA, RECESSIVE, OF BEAUCE; SYNE1 Deficiency; SYNE1-Related Autosomal Recessive Cerebellar Ataxia. Identifiers: Orphanet 88644, MedGen C1853116, MONDO:0012549, OMIM 610743.
Emery-Dreifuss muscular dystrophy 4, autosomal dominant (EDMD4). Also called: EMERY-DREIFUSS MUSCULAR DYSTROPHY 4 WITH VARIABLE FEATURES. Identifiers: Orphanet 261, MedGen C2751807, MONDO:0013071, OMIM 612998.

Allele frequency attached by ClinVar (database versions not stated): gnomAD exomes below 0.00001; ExAC 0.00001; gnomAD 0.00001 and 0.00002; TOPMed 0.00003; ESP Exome Variant Server 0.00008.
gnomAD v4.1: 4 of 1,613,720 alleles (0.00025%); highest among the groups gnomAD compares: African/African-American, 0.004%; no homozygotes.

Submissions (2):

Labcorp Genetics (formerly Invitae), Labcorp
Classification: Uncertain significance for Emery-Dreifuss muscular dystrophy 4, autosomal dominant; Autosomal recessive ataxia, Beauce type. Last evaluated: 2022-04-19. Review status: criteria provided, single submitter. Criteria: Invitae Variant Classification Sherloc (09022015). Collection method: clinical testing. Allele origin: germline.
Comment: This sequence change replaces phenylalanine, which is neutral and non-polar, with isoleucine, which is neutral and non-polar, at codon 7543 of the SYNE1 protein (p.Phe7543Ile). This variant is present in population databases (rs138581943, gnomAD 0.008%). This variant has not been reported in the literature in individuals affected with SYNE1-related conditions. ClinVar contains an entry for this variant (Variation ID: 1256374). Algorithms developed to predict the effect of missense changes on protein structure and function (SIFT, PolyPhen-2, Align-GVGD) all suggest that this variant is likely to be tolerated. In summary, the available evidence is currently insufficient to determine the role of this variant in disease. Therefore, it has been classified as a Variant of Uncertain Significance.

Athena Diagnostics
Classification: Uncertain significance. Last evaluated: 2021-07-28. Review status: criteria provided, single submitter. Criteria: Athena Diagnostics Criteria. Collection method: clinical testing. Allele origin: unknown.

NM_182961.4(SYNE1):c.22840T>A (p.Phe7614Ile)

Gene: SYNE1 (spectrin repeat containing nuclear envelope protein 1; minus strand). Cytogenetic location: 6q25.2.
Variant type: single nucleotide variant.
Coding change: c.22840T>A on transcript NM_182961.4 (MANE Select); coding-DNA position 22840, T replaced by A.
Protein change: p.Phe7614Ile; replaces phenylalanine 7614 with isoleucine.
Molecular consequence: missense variant.
Genome position (GRCh38, 1-based): chr6:152,206,347, A>T on the plus strand (T>A on the coding strand, the complement: SYNE1 is on the minus strand). VCF-style: chr6-152206347-A-T. GRCh37 (hg19) VCF-style: chr6-152527482-A-T.
Other names: c.22627T>A, p.Phe7543Ile (NM_033071.5); short protein forms F7543I, F7614I.
Identifiers: ClinVar variation 1256374 (VCV001256374.5), dbSNP rs138581943, ClinGen allele CA4053772.
Genomic context (GRCh38, chr6:152,206,347, plus strand): 5'-AGAGAAGGAGTTGCTTGCCAGCCTCCACAGTCAGGATGTAGCTGCCTTGTTGCCGCAGAA[A>T]CACTTTTTCTTTGAACTGAAAGGAACCATAGCTTTTTATTTTCTCATTCTTTCTTTCATC-3'
Protein context (NP_892006.3, residues 7604-7624): FDEVQFKEKV[Phe7614Ile]LRQQGSYILT